The following is an entry in ClinVar:

NM_004612.4(TGFBR1):c.240A>G (p.Arg80=)

Gene: TGFBR1 (transforming growth factor beta receptor 1; plus strand). Cytogenetic location: 9q22.33.
Variant type: single nucleotide variant.
Coding change: c.240A>G on transcript NM_004612.4 (MANE Select); coding-DNA position 240, A replaced by G.
Protein change: p.Arg80=; no amino-acid change (arginine 80 retained).
Molecular consequence: synonymous variant. On other transcripts: non-coding transcript variant (4), intron variant (3).
Genome position (GRCh38, 1-based): chr9:99,128,997, A>G. VCF-style: chr9-99128997-A-G. GRCh37 (hg19) VCF-style: chr9-101891279-A-G.
Other names: c.240A>G, p.Arg80= (NM_001130916.3, NM_001306210.2, NM_001407416.1 and 2 more transcripts); c.33A>G, p.Arg11= (NM_001407418.1, NM_001407419.1, NM_001407420.1 and 12 more transcripts); c.98-3512A>G (NM_001407436.1); c.98-8862A>G (NM_001407438.1); c.98-13539A>G (NM_001407437.1).
Identifiers: ClinVar variation 2160012 (VCV002160012.5), dbSNP rs2490108427, ClinGen allele CA466648268.

ClinVar aggregate classification (germline): Likely benign. Review status: criteria provided, multiple submitters, no conflicts (2 of 4 stars). 2 submissions from 2 submitters: Likely benign (2). Last evaluated 2025-08-14.

Conditions:
Loeys-Dietz syndrome (LDS). Identifiers: Orphanet 60030, MedGen C2697932, MONDO:0018954.
Familial thoracic aortic aneurysm and aortic dissection (TAAD). Also called: Thoracic aortic aneurysms and dissections. Identifiers: Orphanet 91387, MedGen C4707243, MONDO:0019625.

Allele frequency attached by ClinVar (database versions not stated): gnomAD exomes 0.00001.
gnomAD v4.1: 4 of 1,614,022 alleles (0.00025%); highest among the groups gnomAD compares: Non-Finnish European, 0.00025%; no homozygotes.

Submissions (2):

Labcorp Genetics (formerly Invitae), Labcorp
Classification: Likely benign for Familial thoracic aortic aneurysm and aortic dissection. Last evaluated: 2025-08-14. Review status: criteria provided, single submitter. Criteria: Invitae Variant Classification Sherloc (09022015). Collection method: clinical testing. Allele origin: germline.

All of Us Research Program, National Institutes of Health
Classification: Likely benign for Loeys-Dietz syndrome. Last evaluated: 2024-05-30. Review status: criteria provided, single submitter. Criteria: ACMG Guidelines, 2015. Collection method: clinical testing. Allele origin: germline. Inheritance: Autosomal dominant inheritance. Observed: 1 variant allele, 1 heterozygote.
Comment: This study involves interpretation of variants in research participants for the purpose of population health screening. Participant phenotype was not available at the time of variant classification. Additional details can be found in publication PMID: 35346344, PMCID: PMC8962531